The following is an entry in ClinVar:

NM_000553.6(WRN):c.655-1G>A

Gene: WRN (WRN RecQ like helicase; plus strand). Cytogenetic location: 8p12.
Variant type: single nucleotide variant.
Coding change: c.655-1G>A on transcript NM_000553.6 (MANE Select); the canonical splice acceptor site of the intron before coding-DNA position 655, G replaced by A.
Molecular consequence: splice acceptor variant.
Genome position (GRCh38, 1-based): chr8:31,068,257, G>A. VCF-style: chr8-31068257-G-A. GRCh37 (hg19) VCF-style: chr8-30925773-G-A.
Identifiers: ClinVar variation 1068480 (VCV001068480.5), dbSNP rs2130056280, ClinGen allele CA370916844.

ClinVar aggregate classification (germline): Pathogenic (1 of 4 stars; one submission).

Conditions:
Werner syndrome (WRN). Identifiers: Orphanet 902, MedGen C0043119, MONDO:0010196, OMIM 277700.

Submission:

Labcorp Genetics (formerly Invitae), Labcorp
Classification: Pathogenic for Werner syndrome. Last evaluated: 2020-02-27. Review status: criteria provided, single submitter. Criteria: Invitae Variant Classification Sherloc (09022015). Collection method: clinical testing. Allele origin: germline.
Comment: For these reasons, this variant has been classified as Pathogenic. Donor and acceptor splice site variants typically lead to a loss of protein function (PMID: 16199547), and loss-of-function variants in WRN are known to be pathogenic (PMID: 16673358). This sequence change affects an acceptor splice site in intron 6 of the WRN gene. It is expected to disrupt RNA splicing and likely results in an absent or disrupted protein product. This variant is not present in population databases (ExAC no frequency). This variant has been observed in individual(s) with Werner syndrome (PMID: 16673358). Experimental studies have shown that this variant disrupts mRNA splicing (PMID: 16673358).

Literature cited by the submitters: PubMed 16199547; PubMed 16673358.